The following is an entry in ClinVar:

NM_004527.4(MEOX1):c.682C>T (p.Arg228Cys)

Gene: MEOX1 (mesenchyme homeobox 1; minus strand). Cytogenetic location: 17q21.31.
Variant type: single nucleotide variant.
Coding change: c.682C>T on transcript NM_004527.4 (MANE Select); coding-DNA position 682, C replaced by T.
Protein change: p.Arg228Cys; replaces arginine 228 with cysteine.
Molecular consequence: missense variant.
Genome position (GRCh38, 1-based): chr17:43,641,993, G>A on the plus strand (C>T on the coding strand, the complement: MEOX1 is on the minus strand). VCF-style: chr17-43641993-G-A. GRCh37 (hg19) VCF-style: chr17-41719361-G-A.
Other names: c.337C>T, p.Arg113Cys (NM_001040002.2); c.509C>T, p.Ala170Val (NM_013999.4); c.682C>T (NM_004527.3); short protein forms R228C, A170V, R113C.
Identifiers: ClinVar variation 1387215 (VCV001387215.7), dbSNP rs1327439031, ClinGen allele CA399903557.

ClinVar aggregate classification (germline): Uncertain significance. Review status: criteria provided, multiple submitters, no conflicts (2 of 4 stars). 2 submissions from 2 submitters: Uncertain significance (2). Last evaluated 2025-11-24.

Conditions:
Inborn genetic diseases. Identifiers: MedGen C0950123, MeSH D030342.

Allele frequency attached by ClinVar (database versions not stated): TOPMed below 0.00001.
gnomAD v4.1: 15 of 1,613,966 alleles (0.00093%); highest among the groups gnomAD compares: Non-Finnish European, 0.0012%; no homozygotes.

Submissions (2):

Ambry Genetics
Classification: Uncertain significance for Inborn genetic diseases. Last evaluated: 2025-11-24. Review status: criteria provided, single submitter. Criteria: Ambry Variant Classification Scheme 2023. Collection method: clinical testing. Allele origin: germline.

Labcorp Genetics (formerly Invitae), Labcorp
Classification: Uncertain significance. Last evaluated: 2021-08-30. Review status: criteria provided, single submitter. Criteria: Invitae Variant Classification Sherloc (09022015). Collection method: clinical testing. Allele origin: germline.
Comment: This sequence change replaces arginine with cysteine at codon 228 of the MEOX1 protein (p.Arg228Cys). The arginine residue is highly conserved and there is a large physicochemical difference between arginine and cysteine. This variant is not present in population databases (ExAC no frequency). This variant has not been reported in the literature in individuals affected with MEOX1-related conditions. Algorithms developed to predict the effect of missense changes on protein structure and function (SIFT, PolyPhen-2, Align-GVGD) all suggest that this variant is likely to be disruptive. Algorithms developed to predict the effect of sequence changes on RNA splicing suggest that this variant may create or strengthen a splice site. In summary, the available evidence is currently insufficient to determine the role of this variant in disease. Therefore, it has been classified as a Variant of Uncertain Significance.